The following is an entry in ClinVar:

ClinVar aggregate classification (germline): Likely benign (0 of 4 stars; one submission).

Conditions:
PKD1-related disorder. Also called: PKD1-related condition.

Allele frequency attached by ClinVar (database versions not stated): ExAC 0.00001; gnomAD 0.00001; 1000 Genomes Project 30x 0.00016; 1000 Genomes Project 0.00020.

Submission:

PreventionGenetics, part of Exact Sciences
Classification: Likely benign for PKD1-related condition. Last evaluated: 2023-04-26. Review status: no assertion criteria provided. Collection method: clinical testing. Allele origin: germline.
Comment: This variant is classified as likely benign based on ACMG/AMP sequence variant interpretation guidelines (Richards et al. 2015 PMID: 25741868, with internal and published modifications).

NM_001009944.3(PKD1):c.8475C>T (p.Leu2825=)

Gene: PKD1 (polycystin 1, transient receptor potential channel interacting; minus strand). Cytogenetic location: 16p13.3.
Variant type: single nucleotide variant.
Coding change: c.8475C>T on transcript NM_001009944.3 (MANE Select); coding-DNA position 8475, C replaced by T.
Protein change: p.Leu2825=; no amino-acid change (leucine 2825 retained).
Molecular consequence: synonymous variant.
Genome position (GRCh38, 1-based): chr16:2,103,582, G>A on the plus strand (C>T on the coding strand, the complement: PKD1 is on the minus strand). VCF-style: chr16-2103582-G-A. GRCh37 (hg19) VCF-style: chr16-2153583-G-A.
Other names: c.8475C>T, p.Leu2825= (NM_000296.4).
Identifiers: ClinVar variation 3031326 (VCV003031326.2), dbSNP rs202070927, ClinGen allele CA7830509.